The following is an entry in ClinVar:

ClinVar aggregate classification (germline): Uncertain significance (1 of 4 stars; one submission).

Submission:

GeneDx
Classification: Uncertain significance. Last evaluated: 2025-05-18. Review status: criteria provided, single submitter. Criteria: GeneDx Variant Classification Process June 2021. Collection method: clinical testing. Allele origin: germline. Affected: yes.
Comment: Not observed at significant frequency in large population cohorts (gnomAD); In silico analysis suggests that this missense variant does not alter protein structure/function; Has not been previously published as pathogenic or benign to our knowledge

NM_013275.6(ANKRD11):c.6036G>C (p.Glu2012Asp)

Gene: ANKRD11 (ankyrin repeat domain 11; minus strand). Cytogenetic location: 16q24.3.
Variant type: single nucleotide variant.
Coding change: c.6036G>C on transcript NM_013275.6 (MANE Select); coding-DNA position 6036, G replaced by C.
Protein change: p.Glu2012Asp; replaces glutamic acid 2012 with aspartic acid.
Molecular consequence: missense variant.
Genome position (GRCh38, 1-based): chr16:89,280,506, C>G on the plus strand (G>C on the coding strand, the complement: ANKRD11 is on the minus strand). VCF-style: chr16-89280506-C-G. GRCh37 (hg19) VCF-style: chr16-89346914-C-G.
Other names: c.6036G>C, p.Glu2012Asp (NM_001256182.2, NM_001256183.2); short protein forms E2012D.
Identifiers: ClinVar variation 4530880 (VCV004530880.1).
Genomic context (GRCh38, chr16:89,280,506, plus strand): 5'-CGGCTCAGCGACGGGCAGAGCGTACGGGGCAGGAGAGGCGGGAGGGGCGGGGTACGGCGC[C>G]TCCGAGGCGCTGAAGGGCCCTGGGGCGGCAGAGTGGAGGGGGTCCGCGGGGCAGAAACGC-3'
Protein context (NP_037407.4, residues 2002-2022): SAAPGPFSAS[Glu2012Asp]APYPAPPASP